The following is an entry in ClinVar:

ClinVar aggregate classification (germline): Conflicting classifications of pathogenicity. Review status: criteria provided, conflicting classifications (1 of 4 stars). 2 submissions from 2 submitters: Uncertain significance (1); Likely benign (1). Last evaluated 2026-09-11.

Conditions:
Cardiovascular phenotype. Identifiers: MedGen CN230736.

Allele frequency attached by ClinVar (database versions not stated): TOPMed 0.00001; gnomAD exomes 0.00002; ExAC 0.00005; 1000 Genomes Project 30x 0.00021; 1000 Genomes Project 0.00026; gnomAD 0.00002.
gnomAD v4.1: 26 of 1,210,920 alleles (0.0021%); highest among the groups gnomAD compares: South Asian, 0.012%; no homozygotes.

Submissions (2):

Ambry Genetics
Classification: Likely benign for Cardiovascular phenotype. Last evaluated: 2026-09-11. Review status: criteria provided, single submitter. Criteria: Ambry Variant Classification Scheme 2023. Collection method: clinical testing. Allele origin: germline.

Labcorp Genetics (formerly Invitae), Labcorp
Classification: Uncertain significance. Last evaluated: 2026-01-25. Review status: criteria provided, single submitter. Criteria: Invitae Variant Classification Sherloc (09022015). Collection method: clinical testing. Allele origin: germline.
Comment: This sequence change replaces arginine, which is basic and polar, with glutamine, which is neutral and polar, at codon 329 of the BGN protein (p.Arg329Gln). This variant is present in population databases (rs192608410, gnomAD 0.02%). This variant has not been reported in the literature in individuals affected with BGN-related conditions. ClinVar contains an entry for this variant (Variation ID: 1768449). Invitae Evidence Modeling of protein sequence and biophysical properties (such as structural, functional, and spatial information, amino acid conservation, physicochemical variation, residue mobility, and thermodynamic stability) indicates that this missense variant is not expected to disrupt BGN protein function with a negative predictive value of 80%. In summary, the available evidence is currently insufficient to determine the role of this variant in disease. Therefore, it has been classified as a Variant of Uncertain Significance.

NM_001711.6(BGN):c.986G>A (p.Arg329Gln)

Gene: BGN (biglycan; plus strand). Cytogenetic location: Xq28.
Variant type: single nucleotide variant.
Coding change: c.986G>A on transcript NM_001711.6 (MANE Select); coding-DNA position 986, G replaced by A.
Protein change: p.Arg329Gln; replaces arginine 329 with glutamine.
Molecular consequence: missense variant.
Genome position (GRCh38, 1-based): chrX:153,508,324, G>A. VCF-style: chrX-153508324-G-A. GRCh37 (hg19) VCF-style: chrX-152773782-G-A.
Other names: short protein forms R329Q.
Identifiers: ClinVar variation 1768449 (VCV001768449.6), dbSNP rs192608410, ClinGen allele CA10547375.